The following is an entry in ClinVar:

NM_145331.3(MAP3K7):c.1543A>G (p.Asn515Asp)

Gene: MAP3K7 (mitogen-activated protein kinase kinase kinase 7; minus strand). Cytogenetic location: 6q15.
Variant type: single nucleotide variant.
Coding change: c.1543A>G on transcript NM_145331.3 (MANE Select); coding-DNA position 1543, A replaced by G.
Protein change: p.Asn515Asp; replaces asparagine 515 with aspartic acid.
Molecular consequence: missense variant. On other transcripts: intron variant (2).
Genome position (GRCh38, 1-based): chr6:90,518,544, T>C on the plus strand (A>G on the coding strand, the complement: MAP3K7 is on the minus strand). VCF-style: chr6-90518544-T-C. GRCh37 (hg19) VCF-style: chr6-91228263-T-C.
Other names: c.1462A>G, p.Asn488Asp (NM_003188.4); c.1443+714A>G (NM_145333.3); c.1524+714A>G (NM_145332.3); short protein forms N488D, N515D.
Identifiers: ClinVar variation 4769078 (VCV004769078.1).

ClinVar aggregate classification (germline): Uncertain significance (1 of 4 stars; one submission).

gnomAD v4.1: 5 of 1,599,934 alleles (0.00031%); highest among the groups gnomAD compares: South Asian, 0.0011%; no homozygotes.

Submission:

Labcorp Genetics (formerly Invitae), Labcorp
Classification: Uncertain significance. Last evaluated: 2025-08-19. Review status: criteria provided, single submitter. Criteria: Invitae Variant Classification Sherloc (09022015). Collection method: clinical testing. Allele origin: germline.
Comment: This sequence change replaces asparagine, which is neutral and polar, with aspartic acid, which is acidic and polar, at codon 515 of the MAP3K7 protein (p.Asn515Asp). This variant is not present in population databases (gnomAD no frequency). This variant has not been reported in the literature in individuals affected with MAP3K7-related conditions. An algorithm developed to predict the effect of missense changes on protein structure and function (PolyPhen-2) suggests that this variant is likely to be disruptive. In summary, the available evidence is currently insufficient to determine the role of this variant in disease. Therefore, it has been classified as a Variant of Uncertain Significance.